The following is an entry in ClinVar:

ClinVar aggregate classification (germline): Uncertain significance (1 of 4 stars; one submission).

gnomAD v4.1: 111 of 1,612,696 alleles (0.0069%); highest among the groups gnomAD compares: Non-Finnish European, 0.0092%; no homozygotes.

Submission:

Labcorp Genetics (formerly Invitae), Labcorp
Classification: Uncertain significance. Last evaluated: 2024-10-28. Review status: criteria provided, single submitter. Criteria: Invitae Variant Classification Sherloc (09022015). Collection method: clinical testing. Allele origin: germline.
Comment: This sequence change replaces proline, which is neutral and non-polar, with serine, which is neutral and polar, at codon 700 of the SLCO5A1 protein (p.Pro700Ser). This variant is present in population databases (rs767602294, gnomAD 0.007%). This variant has not been reported in the literature in individuals affected with SLCO5A1-related conditions. An algorithm developed to predict the effect of missense changes on protein structure and function (PolyPhen-2) suggests that this variant is likely to be disruptive. In summary, the available evidence is currently insufficient to determine the role of this variant in disease. Therefore, it has been classified as a Variant of Uncertain Significance.

NM_030958.3(SLCO5A1):c.2098C>T (p.Pro700Ser)

Gene: SLCO5A1 (solute carrier organic anion transporter family member 5A1; minus strand). Cytogenetic location: 8q13.3.
Variant type: single nucleotide variant.
Coding change: c.2098C>T on transcript NM_030958.3 (MANE Select); coding-DNA position 2098, C replaced by T.
Protein change: p.Pro700Ser; replaces proline 700 with serine.
Molecular consequence: missense variant.
Genome position (GRCh38, 1-based): chr8:69,673,318, G>A on the plus strand (C>T on the coding strand, the complement: SLCO5A1 is on the minus strand). VCF-style: chr8-69673318-G-A. GRCh37 (hg19) VCF-style: chr8-70585553-G-A.
Other names: c.2033C>T, p.Ser678Phe (NM_001146008.2); c.1933C>T, p.Pro645Ser (NM_001146009.1); short protein forms P645S, P700S, S678F.
Identifiers: ClinVar variation 3604061 (VCV003604061.2).